The following is an entry in ClinVar:

NM_015425.6(POLR1A):c.4249C>T (p.Arg1417Cys)

Gene: POLR1A (RNA polymerase I subunit A; minus strand). Cytogenetic location: 2p11.2.
Variant type: single nucleotide variant.
Coding change: c.4249C>T on transcript NM_015425.6 (MANE Select); coding-DNA position 4249, C replaced by T.
Protein change: p.Arg1417Cys; replaces arginine 1417 with cysteine.
Molecular consequence: missense variant.
Genome position (GRCh38, 1-based): chr2:86,032,295, G>A on the plus strand (C>T on the coding strand, the complement: POLR1A is on the minus strand). VCF-style: chr2-86032295-G-A. GRCh37 (hg19) VCF-style: chr2-86259418-G-A.
Other names: short protein forms R1417C.
Identifiers: ClinVar variation 2175205 (VCV002175205.4), dbSNP rs377219446, ClinGen allele CA51367233.

ClinVar aggregate classification (germline): Uncertain significance (1 of 4 stars; one submission).

Allele frequency attached by ClinVar (database versions not stated): gnomAD exomes 0.00001; gnomAD 0.00003; TOPMed 0.00003; ESP Exome Variant Server 0.00008.
gnomAD v4.1: 12 of 1,612,388 alleles (0.00074%); highest among the groups gnomAD compares: African/African-American, 0.0053%; no homozygotes.

Submission:

Labcorp Genetics (formerly Invitae), Labcorp
Classification: Uncertain significance. Last evaluated: 2022-10-01. Review status: criteria provided, single submitter. Criteria: Invitae Variant Classification Sherloc (09022015). Collection method: clinical testing. Allele origin: germline.
Comment: In summary, the available evidence is currently insufficient to determine the role of this variant in disease. Therefore, it has been classified as a Variant of Uncertain Significance. Advanced modeling of protein sequence and biophysical properties (such as structural, functional, and spatial information, amino acid conservation, physicochemical variation, residue mobility, and thermodynamic stability) performed at Invitae indicates that this missense variant is expected to disrupt POLR1A protein function. This variant has not been reported in the literature in individuals affected with POLR1A-related conditions. This variant is not present in population databases (gnomAD no frequency). This sequence change replaces arginine, which is basic and polar, with cysteine, which is neutral and slightly polar, at codon 1417 of the POLR1A protein (p.Arg1417Cys).